The following is an entry in ClinVar:

NM_001365999.1(SZT2):c.9041G>A (p.Arg3014Gln)

Gene: SZT2 (SZT2 subunit of KICSTOR complex; plus strand). Cytogenetic location: 1p34.2.
Variant type: single nucleotide variant.
Coding change: c.9041G>A on transcript NM_001365999.1 (MANE Select); coding-DNA position 9041, G replaced by A.
Protein change: p.Arg3014Gln; replaces arginine 3014 with glutamine.
Molecular consequence: missense variant.
Genome position (GRCh38, 1-based): chr1:43,446,385, G>A. VCF-style: chr1-43446385-G-A. GRCh37 (hg19) VCF-style: chr1-43912056-G-A.
Other names: c.8870G>A, p.Arg2957Gln (NM_015284.4); c.8870G>A (NM_015284.3); short protein forms R2957Q, R3014Q.
Identifiers: ClinVar variation 1001417 (VCV001001417.8), dbSNP rs755302772, ClinGen allele CA810796.

ClinVar aggregate classification (germline): Uncertain significance. Review status: criteria provided, multiple submitters, no conflicts (2 of 4 stars). 2 submissions from 2 submitters: Uncertain significance (2). Last evaluated 2024-10-15.

Allele frequency attached by ClinVar (database versions not stated): ExAC 0.00004; TOPMed below 0.00001; gnomAD exomes 0.00004; gnomAD 0.00001.
gnomAD v4.1: 62 of 1,614,128 alleles (0.0038%); highest among the groups gnomAD compares: Admixed American, 0.0083%; no homozygotes.

Submissions (2):

Labcorp Genetics (formerly Invitae), Labcorp
Classification: Uncertain significance. Last evaluated: 2024-10-15. Review status: criteria provided, single submitter. Criteria: Invitae Variant Classification Sherloc (09022015). Collection method: clinical testing. Allele origin: germline.
Comment: This sequence change replaces arginine, which is basic and polar, with glutamine, which is neutral and polar, at codon 2957 of the SZT2 protein (p.Arg2957Gln). This variant is present in population databases (rs755302772, gnomAD 0.01%). This variant has not been reported in the literature in individuals affected with SZT2-related conditions. ClinVar contains an entry for this variant (Variation ID: 1001417). Invitae Evidence Modeling of protein sequence and biophysical properties (such as structural, functional, and spatial information, amino acid conservation, physicochemical variation, residue mobility, and thermodynamic stability) indicates that this missense variant is not expected to disrupt SZT2 protein function with a negative predictive value of 80%. In summary, the available evidence is currently insufficient to determine the role of this variant in disease. Therefore, it has been classified as a Variant of Uncertain Significance.

GeneDx
Classification: Uncertain significance. Last evaluated: 2024-08-20. Review status: criteria provided, single submitter. Criteria: GeneDx Variant Classification Process June 2021. Collection method: clinical testing. Allele origin: germline. Affected: yes.
Comment: Not observed at significant frequency in large population cohorts (gnomAD); In silico analysis indicates that this missense variant does not alter protein structure/function; Has not been previously published as pathogenic or benign to our knowledge